The following is an entry in ClinVar:

NC_000002.12:g.227164740_227164747del

Genes: COL4A3 (collagen type IV alpha 3 chain; plus strand), COL4A4 (collagen type IV alpha 4 chain; minus strand), LOC129935730 (ATAC-STARR-seq lymphoblastoid silent region 12397; plus strand). Cytogenetic location: 2q36.3.
Variant type: Deletion.
Molecular consequence: frameshift variant (on NM_000091.5).
Genome position: GRCh38 VCF-style: chr2-227164739-ACCGCCCCC-A. GRCh37 (hg19) VCF-style: chr2-228029455-ACCGCCCCC-A.
Other names: c.14_21del, p.Thr5fs (NM_000091.5); short protein forms T5fs.
Identifiers: ClinVar variation 5004712 (VCV005004712.1).
Genomic context (GRCh38, chr2:227,164,739, plus strand): 5'-GAGCCTGAGGGTCCCCGGACTCGCCCAGGCTCTGAGCGCGCGCCCACCATGAGCGCCCGG[ACCGCCCCC>A]AGGCCGCAGGTGCTCCTGCTGCCGCTCCTGCTGGTGCTCCTGGCGGCGGCGCCCGCAGCC-3'

ClinVar aggregate classification (germline): Pathogenic (1 of 4 stars; one submission).

Conditions:
Alport syndrome. Also called: Hemorrhagic familial nephritis; Hemorrhagic hereditary nephritis; Congenital hereditary hematuria. Identifiers: Orphanet 63, MedGen C1567741, MONDO:0018965.

Submission:

Myriad Genetics, Inc.
Classification: Pathogenic for Alport syndrome. Last evaluated: 2026-06-04. Review status: criteria provided, single submitter. Criteria: Myriad Autosomal Dominant, Autosomal Recessive and X-Linked Classification Criteria (2023). Collection method: clinical testing. Allele origin: unknown.
Comment: NM_000091.4(COL4A3):c.14_21del8(T5Kfs*27) is a frameshift variant classified as pathogenic in the context of Alport syndrome, COL4A3-related. T5Kfs*27 has not been observed in cases with relevant disease. Relevant functional assessments of this variant are not available in the literature. T5Kfs*27 has not been observed in referenced population frequency databases. In summary, NM_000091.4(COL4A3):c.14_21del8(T5Kfs*27) is a frameshift variant in a gene where loss of function is a known mechanism of disease and is predicted to disrupt protein function. Please note: this variant was assessed in the context of healthy population screening.